The following is an entry in ClinVar:

ClinVar aggregate classification (germline): Uncertain significance (1 of 4 stars; one submission).

Submission:

Labcorp Genetics (formerly Invitae), Labcorp
Classification: Uncertain significance. Last evaluated: 2022-07-31. Review status: criteria provided, single submitter. Criteria: Invitae Variant Classification Sherloc (09022015). Collection method: clinical testing. Allele origin: germline.
Comment: This variant is not present in population databases (gnomAD no frequency). This sequence change replaces arginine, which is basic and polar, with leucine, which is neutral and non-polar, at codon 294 of the TONSL protein (p.Arg294Leu). This variant has not been reported in the literature in individuals affected with TONSL-related conditions. In summary, the available evidence is currently insufficient to determine the role of this variant in disease. Therefore, it has been classified as a Variant of Uncertain Significance. Algorithms developed to predict the effect of missense changes on protein structure and function are either unavailable or do not agree on the potential impact of this missense change (SIFT: "Tolerated"; PolyPhen-2: "Benign"; Align-GVGD: "Class C25").

NM_013432.5(TONSL):c.881G>T (p.Arg294Leu)

Gene: TONSL (tonsoku like, DNA repair protein; minus strand). Cytogenetic location: 8q24.3.
Variant type: single nucleotide variant.
Coding change: c.881G>T on transcript NM_013432.5 (MANE Select); coding-DNA position 881, G replaced by T.
Protein change: p.Arg294Leu; replaces arginine 294 with leucine.
Molecular consequence: missense variant.
Genome position (GRCh38, 1-based): chr8:144,441,096, C>A on the plus strand (G>T on the coding strand, the complement: TONSL is on the minus strand). VCF-style: chr8-144441096-C-A. GRCh37 (hg19) VCF-style: chr8-145666479-C-A.
Other names: short protein forms R294L.
Identifiers: ClinVar variation 1722263 (VCV001722263.5), dbSNP rs764909171, ClinGen allele CA372674320.
Genomic context (GRCh38, chr8:144,441,096, plus strand): 5'-CAGATGACCATGGCACCCTGAGGGTCTCTGCCCTCAGCCTCTTCCAGCTGTTGCTGCAGC[C>A]GGACCACTGCCAGCACTGCCGGGAAGAGGTTCATGCAGGGGGGCAGCACAGGGGGCCCTG-3'
Protein context (NP_038460.4, residues 284-304): QNLQHVLAVV[Arg294Leu]LQQQLEEAEG